The following is an entry in ClinVar:

ClinVar aggregate classification (germline): Uncertain significance (1 of 4 stars; one submission).

Conditions:
Hereditary cancer-predisposing syndrome. Also called: Neoplastic Syndromes, Hereditary; Tumor predisposition; Hereditary neoplastic syndrome; Hereditary Cancer Syndrome. Identifiers: Orphanet 140162, MedGen C0027672, MeSH D009386, MONDO:0015356.

gnomAD v4.1: 1 of 1,612,240 alleles (0.000062%); highest among the groups gnomAD compares: Non-Finnish European, 0.000085%; no homozygotes.

Submission:

Ambry Genetics
Classification: Uncertain significance for Hereditary cancer-predisposing syndrome. Last evaluated: 2026-07-06. Review status: criteria provided, single submitter. Criteria: Ambry Variant Classification Scheme 2023. Collection method: clinical testing. Allele origin: germline.
Comment: The p.D162G variant (also known as c.485A>G), located in coding exon 3 of the NTHL1 gene, results from an A to G substitution at nucleotide position 485. The aspartic acid at codon 162 is replaced by glycine, an amino acid with similar properties. This amino acid position is conserved. In addition, the in silico prediction for this alteration is inconclusive. Based on the available evidence, the clinical significance of this variant remains unclear.

NM_002528.7(NTHL1):c.461A>G (p.Asp154Gly)

Gene: NTHL1 (nth like DNA glycosylase 1; minus strand). Cytogenetic location: 16p13.3.
Variant type: single nucleotide variant.
Coding change: c.461A>G on transcript NM_002528.7 (MANE Select); coding-DNA position 461, A replaced by G.
Protein change: p.Asp154Gly; replaces aspartic acid 154 with glycine.
Molecular consequence: missense variant. On other transcripts: intron variant (1).
Genome position (GRCh38, 1-based): chr16:2,044,694, T>C on the plus strand (A>G on the coding strand, the complement: NTHL1 is on the minus strand). VCF-style: chr16-2044694-T-C. GRCh37 (hg19) VCF-style: chr16-2094695-T-C.
Other names: c.131A>G, p.Asp44Gly (NM_001318194.2); c.355-968A>G (NM_001318193.2); short protein forms D44G, D154G.
Identifiers: ClinVar variation 5025884 (VCV005025884.1).